The following is an entry in ClinVar:

NM_020937.4(FANCM):c.2320G>A (p.Glu774Lys)

Gene: FANCM (FA complementation group M; plus strand). Cytogenetic location: 14q21.2.
Variant type: single nucleotide variant.
Coding change: c.2320G>A on transcript NM_020937.4 (MANE Select); coding-DNA position 2320, G replaced by A.
Protein change: p.Glu774Lys; replaces glutamic acid 774 with lysine.
Molecular consequence: missense variant.
Genome position (GRCh38, 1-based): chr14:45,175,074, G>A. VCF-style: chr14-45175074-G-A. GRCh37 (hg19) VCF-style: chr14-45644277-G-A.
Other names: c.2242G>A, p.Glu748Lys (NM_001308133.2); short protein forms E748K, E774K.
Identifiers: ClinVar variation 3375523 (VCV003375523.1).

ClinVar aggregate classification (germline): Uncertain significance (1 of 4 stars; one submission).

Submission:

GeneDx
Classification: Uncertain significance. Last evaluated: 2024-05-05. Review status: criteria provided, single submitter. Criteria: GeneDx Variant Classification Process June 2021. Collection method: clinical testing. Allele origin: germline. Affected: yes.
Comment: Not observed at significant frequency in large population cohorts (gnomAD); In silico analysis supports that this missense variant has a deleterious effect on protein structure/function; Has not been previously published as pathogenic or benign to our knowledge